The following is an entry in ClinVar:

NM_020384.4(CLDN2):c.522C>T (p.Ser174=)

Gene: CLDN2 (claudin 2; plus strand). Cytogenetic location: Xq22.3.
Variant type: single nucleotide variant.
Coding change: c.522C>T on transcript NM_020384.4 (MANE Select); coding-DNA position 522, C replaced by T.
Protein change: p.Ser174=; no amino-acid change (serine 174 retained).
Molecular consequence: synonymous variant.
Genome position (GRCh38, 1-based): chrX:106,928,750, C>T. VCF-style: chrX-106928750-C-T. GRCh37 (hg19) VCF-style: chrX-106171980-C-T.
Other names: c.522C>T, p.Ser174= (NM_001171092.1, NM_001171095.2).
Identifiers: ClinVar variation 64496 (VCV000064496.2), dbSNP rs387907422, ClinGen allele CA216271.
Genomic context (GRCh38, chrX:106,928,750, plus strand): 5'-CAGCATGAAATTTGAGATTGGAGAGGCTCTTTACTTGGGCATTATTTCTTCCCTGTTCTC[C>T]CTGATAGCTGGAATCATCCTCTGCTTTTCCTGCTCATCCCAGAGAAATCGCTCCAACTAC-3'
Protein context (NP_065117.1, residues 164-184): LYLGIISSLF[Ser174=]LIAGIILCFS

ClinVar aggregate classification (germline): Uncertain significance (0 of 4 stars; one submission).

Submission:

Martin Pollak Laboratory,  Beth Israel Deaconess Medical Center
Classification: Uncertain significance. Review status: no assertion criteria provided. Collection method: not provided. Allele origin: unknown.
Comment: Lower UCa2+ group
ClinVar note: Converted during submission from unknown to Uncertain significance.